The following is an entry in ClinVar:

ClinVar aggregate classification (germline): Uncertain significance. Review status: criteria provided, multiple submitters, no conflicts (2 of 4 stars). 2 submissions from 2 submitters: Uncertain significance (2). Last evaluated 2025-12-23.

Conditions:
Cardiovascular phenotype. Identifiers: MedGen CN230736.
Brugada syndrome 5 (BRGDA5). Identifiers: Orphanet 130, Orphanet 871, MedGen C2748541, MONDO:0013015, OMIM 612838.

Submissions (2):

Labcorp Genetics (formerly Invitae), Labcorp
Classification: Uncertain significance for Brugada syndrome 5. Last evaluated: 2025-12-23. Review status: criteria provided, single submitter. Criteria: Invitae Variant Classification Sherloc (09022015). Collection method: clinical testing. Allele origin: germline.
Comment: This sequence change replaces valine, which is neutral and non-polar, with isoleucine, which is neutral and non-polar, at codon 111 of the SCN1B protein (p.Val111Ile). This variant is not present in population databases (gnomAD no frequency). This variant has not been reported in the literature in individuals affected with SCN1B-related conditions. ClinVar contains an entry for this variant (Variation ID: 1375221). An algorithm developed to predict the effect of missense changes on protein structure and function (PolyPhen-2) suggests that this variant is likely to be disruptive. In summary, the available evidence is currently insufficient to determine the role of this variant in disease. Therefore, it has been classified as a Variant of Uncertain Significance.

Ambry Genetics
Classification: Uncertain significance for Cardiovascular phenotype. Last evaluated: 2023-01-22. Review status: criteria provided, single submitter. Criteria: Ambry Variant Classification Scheme 2023. Collection method: clinical testing. Allele origin: germline.
Comment: The p.V111I variant (also known as c.331G>A), located in coding exon 3 of the SCN1B gene, results from a G to A substitution at nucleotide position 331. The valine at codon 111 is replaced by isoleucine, an amino acid with highly similar properties. This amino acid position is conserved. In addition, this alteration is predicted to be tolerated by in silico analysis. Since supporting evidence is limited at this time, the clinical significance of this alteration remains unclear.

NM_001037.5(SCN1B):c.331G>A (p.Val111Ile)

Gene: SCN1B (sodium voltage-gated channel beta subunit 1; plus strand). Cytogenetic location: 19q13.11.
Variant type: single nucleotide variant.
Coding change: c.331G>A on transcript NM_001037.5 (MANE Select); coding-DNA position 331, G replaced by A.
Protein change: p.Val111Ile; replaces valine 111 with isoleucine.
Molecular consequence: missense variant.
Genome position (GRCh38, 1-based): chr19:35,033,622, G>A. VCF-style: chr19-35033622-G-A. GRCh37 (hg19) VCF-style: chr19-35524526-G-A.
Other names: c.232G>A, p.Val78Ile (NM_001321605.2); c.331G>A, p.Val111Ile (NM_199037.5); c.331G>A (NM_001037.4); short protein forms V111I, V78I.
Identifiers: ClinVar variation 1375221 (VCV001375221.9), dbSNP rs2064228638, ClinGen allele CA405328797.